The following is an entry in ClinVar:

NM_001170629.2(CHD8):c.2827C>T (p.Arg943Cys)

Gene: CHD8 (chromodomain helicase DNA binding protein 8; minus strand). Cytogenetic location: 14q11.2.
Variant type: single nucleotide variant.
Coding change: c.2827C>T on transcript NM_001170629.2 (MANE Select); coding-DNA position 2827, C replaced by T.
Protein change: p.Arg943Cys; replaces arginine 943 with cysteine.
Molecular consequence: missense variant.
Genome position (GRCh38, 1-based): chr14:21,406,936, G>A on the plus strand (C>T on the coding strand, the complement: CHD8 is on the minus strand). VCF-style: chr14-21406936-G-A. GRCh37 (hg19) VCF-style: chr14-21875095-G-A.
Other names: c.1990C>T, p.Arg664Cys (NM_020920.4); c.2827C>T (NM_001170629.1); short protein forms R664C, R943C.
Identifiers: ClinVar variation 3068393 (VCV003068393.2), dbSNP rs1888276362, ClinGen allele CA388873991.

ClinVar aggregate classification (germline): Uncertain significance. Review status: criteria provided, multiple submitters, no conflicts (2 of 4 stars). 2 submissions from 2 submitters: Uncertain significance (2). Last evaluated 2024-05-01.

Conditions:
Intellectual developmental disorder with autism and macrocephaly. Also called: CHD8-Related Neurodevelopmental Disorder with Overgrowth; Autism, susceptibility to, 18. Identifiers: Orphanet 642675, MedGen C3554373, MONDO:0014017, OMIM 615032.

Allele frequency attached by ClinVar (database versions not stated): gnomAD exomes below 0.00001; TOPMed below 0.00001; gnomAD 0.00001.
gnomAD v4.1: 6 of 1,612,764 alleles (0.00037%); highest among the groups gnomAD compares: South Asian, 0.0033%; no homozygotes.

Submissions (2):

GeneDx
Classification: Uncertain significance. Last evaluated: 2024-05-01. Review status: criteria provided, single submitter. Criteria: GeneDx Variant Classification Process June 2021. Collection method: clinical testing. Allele origin: germline. Affected: yes.
Comment: Not observed at significant frequency in large population cohorts (gnomAD); In silico analysis supports that this missense variant has a deleterious effect on protein structure/function; Has not been previously published as pathogenic or benign to our knowledge; This variant is associated with the following publications: (PMID: 38002998)

MVZ Medizinische Genetik Mainz
Classification: Uncertain significance for Intellectual developmental disorder with autism and macrocephaly. Last evaluated: 2023-09-07. Review status: criteria provided, single submitter. Criteria: UK Practice Guidelines For Variant Classification V4 01 2020. Collection method: clinical testing. Allele origin: germline. Inheritance: Autosomal dominant inheritance. Affected: yes. Observed: 1 variant allele.
Comment: ACMG Criteria: PP3_STR,BS2, PM2_SUP